The following is an entry in ClinVar:

ClinVar aggregate classification (germline): Uncertain significance (1 of 4 stars; one submission).

Submission:

Labcorp Genetics (formerly Invitae), Labcorp
Classification: Uncertain significance. Last evaluated: 2022-04-10. Review status: criteria provided, single submitter. Criteria: Invitae Variant Classification Sherloc (09022015). Collection method: clinical testing. Allele origin: germline.
Comment: ClinVar contains an entry for this variant (Variation ID: 214380). This variant has not been reported in the literature in individuals affected with FH-related conditions. This variant is not present in population databases (gnomAD no frequency). This sequence change replaces glycine, which is neutral and non-polar, with arginine, which is basic and polar, at codon 326 of the FH protein (p.Gly326Arg). In summary, the available evidence is currently insufficient to determine the role of this variant in disease. Therefore, it has been classified as a Variant of Uncertain Significance. Advanced modeling of protein sequence and biophysical properties (such as structural, functional, and spatial information, amino acid conservation, physicochemical variation, residue mobility, and thermodynamic stability) performed at Invitae indicates that this missense variant is expected to disrupt FH protein function.

NM_000143.4(FH):c.976G>A (p.Gly326Arg)

Gene: FH (fumarate hydratase; minus strand). Cytogenetic location: 1q43.
Variant type: single nucleotide variant.
Coding change: c.976G>A on transcript NM_000143.4 (MANE Select); coding-DNA position 976, G replaced by A.
Protein change: p.Gly326Arg; replaces glycine 326 with arginine.
Molecular consequence: missense variant.
Genome position (GRCh38, 1-based): chr1:241,504,174, C>T on the plus strand (G>A on the coding strand, the complement: FH is on the minus strand). VCF-style: chr1-241504174-C-T. GRCh37 (hg19) VCF-style: chr1-241667474-C-T.
Other names: short protein forms G326R.
Identifiers: ClinVar variation 214380 (VCV000214380.9), dbSNP rs1553341038, ClinGen allele CA320477.
Genomic context (GRCh38, chr1:241,504,174, plus strand): 5'-CCAAAAATCGAATATCATTTGCTATCTTCATCAGACTGCAGGCAGTAGTGTTCATGGCTC[C>T]ACTGAGCTCAACCAGAGCGTCATGAGCAGCCAGAGCTTCAAATTTATTCGGAGCAGTGAC-3'
Protein context (NP_000134.2, residues 316-336): AAHDALVELS[Gly326Arg]AMNTTACSLM